The following is an entry in ClinVar:

NM_005591.4(MRE11):c.524A>G (p.Lys175Arg)

Gene: MRE11 (MRE11 double strand break repair nuclease; minus strand). Cytogenetic location: 11q21.
Variant type: single nucleotide variant.
Coding change: c.524A>G on transcript NM_005591.4 (MANE Select); coding-DNA position 524, A replaced by G.
Protein change: p.Lys175Arg; replaces lysine 175 with arginine.
Molecular consequence: missense variant.
Genome position (GRCh38, 1-based): chr11:94,478,755, T>C on the plus strand (A>G on the coding strand, the complement: MRE11 is on the minus strand). VCF-style: chr11-94478755-T-C. GRCh37 (hg19) VCF-style: chr11-94211921-T-C.
Other names: c.524A>G, p.Lys175Arg (NM_001330347.2, NM_005590.4); short protein forms K175R.
Identifiers: ClinVar variation 479748 (VCV000479748.6), dbSNP rs1555015146, ClinGen allele CA382377290.

ClinVar aggregate classification (germline): Uncertain significance. Review status: criteria provided, multiple submitters, no conflicts (2 of 4 stars). 2 submissions from 2 submitters: Uncertain significance (2). Last evaluated 2024-06-19.

Conditions:
Ataxia-telangiectasia-like disorder 1 (ATLD1). Identifiers: Orphanet 251347, MedGen C4012790, MONDO:0024557, OMIM 604391.
Hereditary cancer-predisposing syndrome. Also called: Hereditary Cancer Syndrome; Neoplastic Syndromes, Hereditary; Tumor predisposition; Hereditary neoplastic syndrome. Identifiers: Orphanet 140162, MedGen C0027672, MeSH D009386, MONDO:0015356.

Submissions (2):

Fulgent Genetics
Classification: Uncertain significance for Ataxia-telangiectasia-like disorder 1. Last evaluated: 2024-06-19. Review status: criteria provided, single submitter. Criteria: ACMG Guidelines, 2015. Collection method: clinical testing. Allele origin: germline.

Ambry Genetics
Classification: Uncertain significance for Hereditary cancer-predisposing syndrome. Last evaluated: 2024-02-20. Review status: criteria provided, single submitter. Criteria: Ambry Variant Classification Scheme 2023. Collection method: clinical testing. Allele origin: germline.
Comment: The p.K175R variant (also known as c.524A>G), located in coding exon 5 of the MRE11A gene, results from an A to G substitution at nucleotide position 524. The lysine at codon 175 is replaced by arginine, an amino acid with highly similar properties. This amino acid position is highly conserved in available vertebrate species. In addition, this alteration is predicted to be tolerated by in silico analysis. Since supporting evidence is limited at this time, the clinical significance of this alteration remains unclear.